The following is an entry in ClinVar:

ClinVar aggregate classification (germline): Pathogenic/Likely pathogenic. Review status: criteria provided, multiple submitters, no conflicts (2 of 4 stars). 2 submissions from 2 submitters: Pathogenic (1); Likely pathogenic (1). Last evaluated 2025-04-17.

Conditions:
Juvenile myelomonocytic leukemia (JMML). Also called: LEUKEMIA, JUVENILE MYELOMONOCYTIC, SOMATIC. Identifiers: Orphanet 86834, MedGen C0349639, MONDO:0011908, OMIM 607785, HP:0012209.
Neurofibromatosis, type 1 (NF1). Also called: NEUROFIBROMATOSIS, TYPE I, SOMATIC; Peripheral type neurofibromatosis; VON RECKLINGHAUSEN DISEASE; Neurofibromatosis, type I. Identifiers: Orphanet 636, MedGen C0027831, MONDO:0018975, OMIM 162200. Disease mechanism: loss of function.

Submissions (2):

Labcorp Genetics (formerly Invitae), Labcorp
Classification: Pathogenic for Neurofibromatosis, type 1. Last evaluated: 2025-04-17. Review status: criteria provided, single submitter. Criteria: Invitae Variant Classification Sherloc (09022015). Collection method: clinical testing. Allele origin: germline.
Comment: This sequence change creates a premature translational stop signal (p.Gly859Alafs*19) in the NF1 gene. It is expected to result in an absent or disrupted protein product. Loss-of-function variants in NF1 are known to be pathogenic (PMID: 10712197, 23913538). This variant is not present in population databases (gnomAD no frequency). This variant has not been reported in the literature in individuals affected with NF1-related conditions. ClinVar contains an entry for this variant (Variation ID: 2677202). For these reasons, this variant has been classified as Pathogenic.

Baylor Genetics
Classification: Likely pathogenic for Juvenile myelomonocytic leukemia. Last evaluated: 2023-07-14. Review status: criteria provided, single submitter. Criteria: ACMG Guidelines, 2015. Collection method: clinical testing. Allele origin: unknown.

Literature cited by the submitters: PubMed 10712197 (cited by Labcorp Genetics (formerly Invitae), Labcorp); PubMed 23913538 (cited by Labcorp Genetics (formerly Invitae), Labcorp).

NM_001042492.3(NF1):c.2576del (p.Gly859fs)

Gene: NF1 (neurofibromin 1; plus strand). Cytogenetic location: 17q11.2.
Variant type: Deletion.
Coding change: c.2576del on transcript NM_001042492.3 (MANE Select); coding-DNA position 2576, one base deleted (G; older notation c.2576delG).
Protein change: p.Gly859fs; shifts the reading frame from glycine 859.
Molecular consequence: frameshift variant.
Genome position (GRCh38, 1-based): chr17:31,229,191, G deleted; the last of 2 consecutive G bases (chr17:31,229,190-31,229,191); deleting either gives the same sequence. VCF-style (leftmost placement, unchanged base first): chr17-31229189-TG-T. GRCh37 (hg19) VCF-style: chr17-29556207-TG-T.
Other names: c.2576delG, p.Gly859Alafs (NM_000267.4); short protein forms G859fs.
Identifiers: ClinVar variation 2677202 (VCV002677202.3), dbSNP rs2508184474, ClinGen allele CA2695201285.